The following is an entry in ClinVar:

ClinVar aggregate classification (germline): Uncertain significance (1 of 4 stars; one submission).

Conditions:
Inborn genetic diseases. Identifiers: MedGen C0950123, MeSH D030342.

Submission:

Ambry Genetics
Classification: Uncertain significance for Inborn genetic diseases. Last evaluated: 2026-08-08. Review status: criteria provided, single submitter. Criteria: Ambry Variant Classification Scheme 2023. Collection method: clinical testing. Allele origin: germline.
Comment: The p.L458R variant (also known as c.1373T>G), located in coding exon 10 of the FANCG gene, results from a T to G substitution at nucleotide position 1373. The leucine at codon 458 is replaced by arginine, an amino acid with dissimilar properties. This amino acid position is conserved. In addition, this alteration is predicted to be tolerated by in silico analysis. Based on the available evidence, the clinical significance of this variant remains unclear.

NM_004629.2(FANCG):c.1373T>G (p.Leu458Arg)

Gene: FANCG (FA complementation group G; minus strand). Cytogenetic location: 9p13.3.
Variant type: single nucleotide variant.
Coding change: c.1373T>G on transcript NM_004629.2 (MANE Select); coding-DNA position 1373, T replaced by G.
Protein change: p.Leu458Arg; replaces leucine 458 with arginine.
Molecular consequence: missense variant.
Genome position (GRCh38, 1-based): chr9:35,075,525, A>C on the plus strand (T>G on the coding strand, the complement: FANCG is on the minus strand). VCF-style: chr9-35075525-A-C. GRCh37 (hg19) VCF-style: chr9-35075522-A-C.
Other names: short protein forms L458R.
Identifiers: ClinVar variation 5036526 (VCV005036526.1).